The following continues an entry in ClinVar:

NM_007294.4(BRCA1):c.4843G>A (p.Ala1615Thr)

Gene: BRCA1. ClinVar aggregate classification (germline): Conflicting classifications of pathogenicity. Uncertain significance (13); Benign (1); Likely benign (2).

Submissions 9 to 21 of 21:

All of Us Research Program, National Institutes of Health
Classification: Uncertain significance for Breast-ovarian cancer, familial, susceptibility to, 1. Last evaluated: 2023-05-31. Review status: criteria provided, single submitter. Criteria: ACMG Guidelines, 2015. Collection method: clinical testing. Allele origin: germline. Inheritance: Autosomal dominant inheritance. Observed: 1 variant allele, 1 heterozygote.
Comment: This missense variant replaces alanine with threonine at codon 1615 of the BRCA1 protein. Computational prediction is inconclusive regarding the impact of this variant on protein structure and function (internally defined REVEL score threshold 0.5 < inconclusive < 0.7, PMID: 27666373). Functional studies have reported that this variant does not impact BRCA1 function in transcription activation and mouse Brca1-deficient mouse embryonic stem cells in PARP inhibitors sensitivity and homology-directed DNA repair assays (PMID: 28781887, 29884841, 32546644). This variant has been reported in at least four individuals affected with breast cancer (PMID: 12142080, 22752604, 24884479, 25896959; Color internal data) and in a breast cancer case-control meta-analysis in 4/60466 cases and 1/53461 unaffected individuals (PMID: 33471991; Leiden Open Variation Database DB-ID BRCA1_002131). This variant has been identified in 1/251402 chromosomes in the general population by the Genome Aggregation Database (gnomAD). The available evidence is insufficient to determine the role of this variant in disease conclusively. Therefore, this variant is classified as a Variant of Uncertain Significance.

This study involves interpretation of variants in research participants for the purpose of population health screening. Participant phenotype was not available at the time of variant classification. Additional details can be found in publication PMID: 35346344, PMCID: PMC8962531

Mendelics
Classification: Uncertain significance. Last evaluated: 2022-05-04. Review status: criteria provided, single submitter. Criteria: Mendelics Assertion Criteria 2019. Collection method: clinical testing. Allele origin: germline.

Fulgent Genetics
Classification: Uncertain significance for Familial cancer of breast; Breast-ovarian cancer, familial, susceptibility to, 1; Pancreatic cancer, susceptibility to, 4; Fanconi anemia, complementation group S. Last evaluated: 2022-04-18. Review status: criteria provided, single submitter. Criteria: ACMG Guidelines, 2015. Collection method: clinical testing. Allele origin: unknown.

CHEO Genetics Diagnostic Laboratory, Children's Hospital of Eastern Ontario
Classification: Uncertain significance for Breast and/or ovarian cancer. Last evaluated: 2021-10-20. Review status: criteria provided, single submitter. Criteria: ACMG Guidelines, 2015. Collection method: clinical testing. Allele origin: germline.

GeneDx
Classification: Uncertain significance. Last evaluated: 2020-05-27. Review status: criteria provided, single submitter. Criteria: GeneDx Variant Classification Process June 2021. Collection method: clinical testing. Allele origin: germline. Affected: yes.
Comment: Not observed at a significant frequency in large population cohorts (Lek 2016); In silico analysis supports that this missense variant does not alter protein structure/function; Also known as 4962G>A; Observed in individuals with personal or family history of breast or ovarian cancer (Ladopoulou 2002, Juwle 2012, Silva 2014, D'Argenio 2015, Azzollini 2016); Published functional studies suggest no damaging effect: transactivation activity similar to wildtype (Woods 2016); This variant is associated with the following publications: (PMID: 22752604, 12142080, 24884479, 25896959, 17453335, 30765603, 28781887, 27062684)

Quest Diagnostics Nichols Institute San Juan Capistrano
Classification: Uncertain significance. Last evaluated: 2019-09-28. Review status: criteria provided, single submitter. Criteria: Quest Diagnostics criteria. Collection method: clinical testing. Allele origin: unknown.

Illumina Laboratory Services, Illumina
Classification: Uncertain significance for Breast-ovarian cancer, familial, susceptibility to, 1. Last evaluated: 2018-01-13. Review status: criteria provided, single submitter. Criteria: ICSL Variant Classification Criteria 13 December 2019. Collection method: clinical testing. Allele origin: germline.

Clinical and Functional Genomics Group, A.C.Camargo Cancer Center
Classification: Uncertain significance for Breast Cancer. Review status: criteria provided, single submitter. Criteria: Silva et al. (BMC Med Genet. 2014). Collection method: research. Allele origin: germline. Affected: yes.

Department of Medical and Surgical Sciences, University of Bologna
Classification: Benign for Breast-ovarian cancer, familial, susceptibility to, 1. Last evaluated: 2023-09-01. Review status: no assertion criteria provided. Collection method: clinical testing. Allele origin: germline. Affected: yes. Not counted in ClinVar's aggregate classification.
Comment: BS3(Strong)+BP1(Strong)+BP5(Moderate) according to ACMG/AMP classification guidelines specified for BRCA1 & BRCA2 (Classification Criteria V1.0.0 2023-09-08) (PMID: 38160042)

Genetic Services Laboratory, University of Chicago
Classification: Uncertain significance. Last evaluated: 2022-08-29. Review status: no assertion criteria provided. Collection method: clinical testing. Allele origin: germline. Affected: no. Not counted in ClinVar's aggregate classification.
Comment: DNA sequence analysis of the BRCA1 gene demonstrated a sequence change, c.4843G>A, in exon 15 that results in an amino acid change, p.Ala1615Thr. This sequence change has been reported in individuals with personal and/or family history of breast or ovarian cancer (PMID: 12142080, 17453335, 22752604, 24884479, 25896959, 27062684). This sequence change has been described in the gnomAD database in one individual which corresponds to a population frequency of 0.0004 % (dbSNP rs80356987). The p.Ala1615Thr change affects a moderately conserved amino acid residue located in a domain of the BRCA1 protein that is known to be functional. In-silico pathogenicity prediction tools (SIFT, PolyPhen2, Align GVGD, REVEL) provide contradictory results for the p.Ala1615Thr substitution. Due to insufficient evidences and the lack of functional studies, the clinical significance of the p.Ala1615Thr change remains unknown at this time.

Sharing Clinical Reports Project (SCRP)
Classification: Uncertain significance for Breast-ovarian cancer, familial 1. Last evaluated: 2012-05-01. Review status: no assertion criteria provided. Collection method: clinical testing. Allele origin: germline. Not counted in ClinVar's aggregate classification.

Breast Cancer Information Core (BIC) (BRCA1)
Classification: Uncertain significance for Breast-ovarian cancer, familial 1. Last evaluated: 2002-08-23. Review status: no assertion criteria provided. Collection method: clinical testing. Allele origin: germline. Affected: yes. Observed: 2 variant alleles. Not counted in ClinVar's aggregate classification.

Department of Pathology and Laboratory Medicine, Sinai Health System
Classification: Uncertain significance for Malignant tumor of breast. Review status: no assertion criteria provided. Collection method: clinical testing. Allele origin: unknown. Affected: yes. Observed: 1 variant allele. Study: The Canadian Open Genetics Repository (COGR). Not counted in ClinVar's aggregate classification.
Comment: The p.Ala1615Thr variant was identified in the literature in one proband with hereditary breast or ovarian cancer (Ladopoulou 2002). The variant was identified in dbSNP (ID: rs80356987) â€šÃ„ÃºWith Uncertain significance alleleâ€šÃ„Ã¹, the ClinVar database (classified with uncertain significance by Ambry Genetics; classified with uncertain significance by the Sharing Clinical Reports Project, derived from Myriad reports), the BIC database (2X with unknown clinical importance), and UMD (1X as an unclassified variant). The p.Ala1615 residue is conserved in mammals but not conserved in lower organisms and the variant amino acid threonine (Thr) is present in African clawed frog and purple sea urchin, increasing the likelihood that this variant does not have clinical significance. Computational analyses (PolyPhen-2, SIFT, AlignGVGD, BLOSUM, MutationTaster) provide inconsistent predictions regarding the significance of this variant, although this information is not very predictive of pathogenicity. In summary, based on the above information, the clinical significance of this variant cannot be determined with certainty at this time. This variant is classified as a variant of unknown significance.

Literature cited by the submitters: PubMed 12142080 (cited by 5 submitters); PubMed 17453335 (cited by 3 submitters); PubMed 22752604 (cited by 4 submitters); PubMed 24884479 (cited by 4 submitters); PubMed 25896959 (cited by 4 submitters); PubMed 27062684 (cited by 4 submitters); PubMed 35023674 (cited by Labcorp Genetics (formerly Invitae), Labcorp); PubMed 28781887 (cited by 4 submitters); PubMed 30765603 (cited by 3 submitters); PubMed 32546644 (cited by 3 submitters); PubMed 32806537 (cited by Women's Health and Genetics/Laboratory Corporation of America, LabCorp); PubMed 35753294 (cited by Women's Health and Genetics/Laboratory Corporation of America, LabCorp); PubMed 38785549 (cited by Ambry Genetics); PubMed 29884841 (cited by All of Us Research Program, National Institutes of Health); PubMed 33471991 (cited by All of Us Research Program, National Institutes of Health); PubMed 15385441 (cited by Quest Diagnostics Nichols Institute San Juan Capistrano); PubMed 23469205 (cited by Clinical and Functional Genomics Group, A.C.Camargo Cancer Center); Ladopolou-et-al.,-Cancer-Lett,-185:61,-2002 (cited by Breast Cancer Information Core (BIC) (BRCA1)).